The following continues an entry in ClinVar:

NM_000059.4(BRCA2):c.9613_9614delinsCT (p.Ala3205Leu)

Gene: BRCA2. ClinVar aggregate classification (germline): Conflicting classifications of pathogenicity. Uncertain significance (8); Likely benign (5).

Submissions 14 to 18 of 18:

Department of Medical and Surgical Sciences, University of Bologna
Classification: Likely benign for Breast-ovarian cancer, familial, susceptibility to, 2. Last evaluated: 2023-09-01. Review status: no assertion criteria provided. Collection method: clinical testing. Allele origin: germline. Affected: yes. Not counted in ClinVar's aggregate classification.
Comment: BP1(Strong)+BP5(Moderate) according to ACMG/AMP classification guidelines specified for BRCA1 & BRCA2 (Classification Criteria V1.0.0 2023-09-08) (PMID: 38160042)

ITMI
No classification provided. Condition: AllHighlyPenetrant. Last evaluated: 2013-09-19. Review status: no classification provided. Collection method: reference population. Allele origin: germline. Not counted in ClinVar's aggregate classification.
Comment: Please see associated publication for description of ethnicities

Foulkes Cancer Genetics LDI, Lady Davis Institute for Medical Research
Classification: Uncertain significance for Breast and/or ovarian cancer. Last evaluated: 2013-05-03. Review status: no assertion criteria provided. Collection method: clinical testing. Allele origin: germline. Study: The Canadian Open Genetics Repository (COGR). Not counted in ClinVar's aggregate classification.

Breast Cancer Information Core (BIC) (BRCA2)
Classification: Uncertain significance for Breast-ovarian cancer, familial 2. Last evaluated: 2004-02-20. Review status: no assertion criteria provided. Collection method: clinical testing. Allele origin: germline. Affected: yes. Observed: 6 variant alleles. Not counted in ClinVar's aggregate classification.

Department of Pathology and Laboratory Medicine, Sinai Health System
Classification: Uncertain significance for Malignant tumor of breast. Review status: no assertion criteria provided. Collection method: clinical testing. Allele origin: unknown. Affected: yes. Study: The Canadian Open Genetics Repository (COGR). Not counted in ClinVar's aggregate classification.
Comment: The p.Ala3205Leu variant was identified by Malone (2000) in a study of young women diagnosed with breast cancer, and was also identified in HGMD, in UMD (1X as an unclassified variant), and in the BIC database (6X with unknown clinical importance). The p.Ala3205 residue in not conserved in mammals and lower organisms, and computational analyses (PolyPhen2, SIFT, AlignGVGD, BLOSUM) provide inconsistent predictions regarding the impact to the protein; however, this information is not very predictive of pathogenicity. In summary, the clinical significance of this variant cannot be determined with certainty at this time. This variant is classified as a variant of unknown significance.

Literature cited by the submitters: PubMed 15365999 (cited by Women's Health and Genetics/Laboratory Corporation of America, LabCorp); PubMed 21120943 (cited by Women's Health and Genetics/Laboratory Corporation of America, LabCorp); PubMed 20215541 (cited by 3 submitters); PubMed 10717622 (cited by 3 submitters); PubMed 24728327 (cited by 4 submitters); PubMed 25111659 (cited by 3 submitters); PubMed 25382762 (cited by Women's Health and Genetics/Laboratory Corporation of America, LabCorp and Quest Diagnostics Nichols Institute San Juan Capistrano); PubMed 25777348 (cited by 3 submitters); PubMed 30883245 (cited by 4 submitters); PubMed 32438681 (cited by 4 submitters); PubMed 34572941 (cited by Women's Health and Genetics/Laboratory Corporation of America, LabCorp); PubMed 35753294 (cited by Women's Health and Genetics/Laboratory Corporation of America, LabCorp and Quest Diagnostics Nichols Institute San Juan Capistrano); PubMed 36011273 (cited by Women's Health and Genetics/Laboratory Corporation of America, LabCorp and Quest Diagnostics Nichols Institute San Juan Capistrano); PubMed 37723522 (cited by Women's Health and Genetics/Laboratory Corporation of America, LabCorp); PubMed 19471317 (cited by Quest Diagnostics Nichols Institute San Juan Capistrano and Color Diagnostics, LLC DBA Color Health); PubMed 31209999 (cited by Quest Diagnostics Nichols Institute San Juan Capistrano); PubMed 33471991 (cited by 3 submitters); PubMed 34034685 (cited by Quest Diagnostics Nichols Institute San Juan Capistrano); PubMed 35127508 (cited by Quest Diagnostics Nichols Institute San Juan Capistrano and Color Diagnostics, LLC DBA Color Health); PubMed 35402282 (cited by Quest Diagnostics Nichols Institute San Juan Capistrano and Color Diagnostics, LLC DBA Color Health); PubMed 34933735 (cited by Quest Diagnostics Nichols Institute San Juan Capistrano); PubMed 39565531 (cited by Quest Diagnostics Nichols Institute San Juan Capistrano); PubMed 39062721 (cited by Quest Diagnostics Nichols Institute San Juan Capistrano).